The following is an entry in ClinVar:

NM_001039705.3(TRO):c.1313C>T (p.Pro438Leu)

Gene: TRO (trophinin; plus strand). Cytogenetic location: Xp11.21.
Variant type: single nucleotide variant.
Coding change: c.1313C>T on transcript NM_001039705.3 (MANE Select); coding-DNA position 1313, C replaced by T.
Protein change: p.Pro438Leu; replaces proline 438 with leucine.
Molecular consequence: missense variant. On other transcripts: 5 prime UTR variant (1), non-coding transcript variant (2).
Genome position (GRCh38, 1-based): chrX:54,924,527, C>T. VCF-style: chrX-54924527-C-T. GRCh37 (hg19) VCF-style: chrX-54950960-C-T.
Other names: c.-95C>T (NM_001271183.2); c.122C>T, p.Pro41Leu (NM_001271184.2, NM_177557.3, NM_177558.1); c.1313C>T, p.Pro438Leu (NM_016157.4, NM_177555.1, NM_177556.3); short protein forms P41L, P438L.
Identifiers: ClinVar variation 2660678 (VCV002660678.24), dbSNP rs200640045, ClinGen allele CA10427104.
Genomic context (GRCh38, chrX:54,924,527, plus strand): 5'-GGGATGAGAGAAGTGGCAGTAATTACAGGCGGATCCCATGGGGCCGGAGGCCTGCACCAC[C>T]GCGAGATGTGGCCATTTTACAAGAAAGGGTAAGAATCCAATGCTGTCCAGTCTCTTCTCT-3'
Protein context (NP_001034794.1, residues 428-448): RIPWGRRPAP[Pro438Leu]RDVAILQERA

ClinVar aggregate classification (germline): Likely benign (1 of 4 stars; one submission).

Allele frequency attached by ClinVar (database versions not stated): 1000 Genomes Project 30x 0.00021; 1000 Genomes Project 0.00026; ExAC 0.00062; gnomAD 0.00065; TOPMed 0.00079; gnomAD exomes 0.00080; ESP Exome Variant Server 0.00110.
gnomAD v4.1: 937 of 1,207,745 alleles (0.078%); highest among the groups gnomAD compares: Non-Finnish European, 0.097%; no homozygotes.

Submission:

CeGaT Center for Human Genetics Tuebingen
Classification: Likely benign. Last evaluated: 2022-09-01. Review status: criteria provided, single submitter. Criteria: CeGaT Center For Human Genetics Tuebingen Variant Classification Criteria Version 2. Collection method: clinical testing. Allele origin: germline. Affected: yes. Observed: 1 variant allele.
Comment: TRO: BS2